The following is an entry in ClinVar:

ClinVar aggregate classification (germline): Uncertain significance (1 of 4 stars; one submission).

Conditions:
LAMA2-related muscular dystrophy (LAMA2-RD). Also called: Laminin alpha 2-related dystrophy. Identifiers: MedGen C5679788, MONDO:0100228.

Allele frequency attached by ClinVar (database versions not stated): gnomAD exomes below 0.00001 and 0.00001; gnomAD 0.00001.
gnomAD v4.1: 6 of 1,613,858 alleles (0.00037%); highest among the groups gnomAD compares: Non-Finnish European, 0.00051%; no homozygotes.

Submission:

Labcorp Genetics (formerly Invitae), Labcorp
Classification: Uncertain significance for LAMA2-related muscular dystrophy. Last evaluated: 2021-12-02. Review status: criteria provided, single submitter. Criteria: Invitae Variant Classification Sherloc (09022015). Collection method: clinical testing. Allele origin: germline.
Comment: This sequence change replaces alanine, which is neutral and non-polar, with valine, which is neutral and non-polar, at codon 1565 of the LAMA2 protein (p.Ala1565Val). This variant is present in population databases (no rsID available, gnomAD 0.0009%). This variant has not been reported in the literature in individuals affected with LAMA2-related conditions. Advanced modeling of protein sequence and biophysical properties (such as structural, functional, and spatial information, amino acid conservation, physicochemical variation, residue mobility, and thermodynamic stability) performed at Invitae indicates that this missense variant is not expected to disrupt LAMA2 protein function. Algorithms developed to predict the effect of sequence changes on RNA splicing suggest that this variant may create or strengthen a splice site. In summary, the available evidence is currently insufficient to determine the role of this variant in disease. Therefore, it has been classified as a Variant of Uncertain Significance.

NM_000426.4(LAMA2):c.4694C>T (p.Ala1565Val)

Gene: LAMA2 (laminin subunit alpha 2; plus strand). Cytogenetic location: 6q22.33.
Variant type: single nucleotide variant.
Coding change: c.4694C>T on transcript NM_000426.4 (MANE Select); coding-DNA position 4694, C replaced by T.
Protein change: p.Ala1565Val; replaces alanine 1565 with valine.
Molecular consequence: missense variant.
Genome position (GRCh38, 1-based): chr6:129,353,334, C>T. VCF-style: chr6-129353334-C-T. GRCh37 (hg19) VCF-style: chr6-129674479-C-T.
Other names: c.4694C>T, p.Ala1565Val (NM_001079823.2); short protein forms A1565V.
Identifiers: ClinVar variation 1424121 (VCV001424121.5), dbSNP rs1247271983, ClinGen allele CA365618846.
Genomic context (GRCh38, chr6:129,353,334, plus strand): 5'-TCTGCACGTGCCGACCTGGAGCCACGGGAAGGAAGTGTGACGGCTGCAAGCACTGGCATG[C>T]ACGCGAGGGCTGGGAGTGTGTTTGTACGTATACTAACTTTGCTGTTAGTTTTGGAGGCCT-3'
Protein context (NP_000417.3, residues 1555-1575): RKCDGCKHWH[Ala1565Val]REGWECVFCG